The following is an entry in ClinVar:

NM_004999.4(MYO6):c.3515G>A (p.Arg1172His)

Gene: MYO6 (myosin VI; plus strand). Cytogenetic location: 6q14.1.
Variant type: single nucleotide variant.
Coding change: c.3515G>A on transcript NM_004999.4 (MANE Select); coding-DNA position 3515, G replaced by A.
Protein change: p.Arg1172His; replaces arginine 1172 with histidine.
Molecular consequence: missense variant. On other transcripts: non-coding transcript variant (1).
Genome position (GRCh38, 1-based): chr6:75,914,138, G>A. VCF-style: chr6-75914138-G-A. GRCh37 (hg19) VCF-style: chr6-76623855-G-A.
Other names: c.3446G>A, p.Arg1149His (NM_001300899.2); c.3419G>A, p.Arg1140His (NM_001368136.1); c.3476G>A, p.Arg1159His (NM_001368137.1); c.3431G>A, p.Arg1144His (NM_001368138.1); c.3542G>A, p.Arg1181His (NM_001368865.1); c.3515G>A, p.Arg1172His (NM_001368866.1); short protein forms R1140H, R1149H, R1172H, R1181H, R1159H, R1144H.
Identifiers: ClinVar variation 909767 (VCV000909767.8), dbSNP rs1554223761, ClinGen allele CA3897750.

ClinVar aggregate classification (germline): Uncertain significance. Review status: criteria provided, multiple submitters, no conflicts (2 of 4 stars). 4 submissions from 3 submitters: Uncertain significance (4). Last evaluated 2024-08-08.

Conditions:
Autosomal recessive nonsyndromic hearing loss 37. Identifiers: Orphanet 90636, MedGen C1843028, MONDO:0011912, OMIM 607821.
Autosomal dominant nonsyndromic hearing loss 22. Also called: DFNA 22; Autosomal dominant nonsyndromic deafness 22. Identifiers: Orphanet 228012, MedGen C2931767, MONDO:0011660, OMIM 606346.

Allele frequency attached by ClinVar (database versions not stated): TOPMed below 0.00001; gnomAD exomes 0.00001; ExAC 0.00002.
gnomAD v4.1: 12 of 1,614,058 alleles (0.00074%); highest among the groups gnomAD compares: Middle Eastern, 0.033%; no homozygotes.

Submissions (4):

GeneDx
Classification: Uncertain significance. Last evaluated: 2024-08-08. Review status: criteria provided, single submitter. Criteria: GeneDx Variant Classification Process June 2021. Collection method: clinical testing. Allele origin: germline. Affected: yes.
Comment: In silico analysis supports that this missense variant has a deleterious effect on protein structure/function; This variant is associated with the following publications: (PMID: 26445815)

Labcorp Genetics (formerly Invitae), Labcorp
Classification: Uncertain significance. Last evaluated: 2023-11-23. Review status: criteria provided, single submitter. Criteria: Invitae Variant Classification Sherloc (09022015). Collection method: clinical testing. Allele origin: germline.
Comment: This sequence change replaces arginine, which is basic and polar, with histidine, which is basic and polar, at codon 1172 of the MYO6 protein (p.Arg1172His). This variant is present in population databases (no rsID available, gnomAD 0.006%). This missense change has been observed in individuals with autosomal recessive deafness (PMID: 26445815). ClinVar contains an entry for this variant (Variation ID: 909767). Advanced modeling of protein sequence and biophysical properties (such as structural, functional, and spatial information, amino acid conservation, physicochemical variation, residue mobility, and thermodynamic stability) has been performed at Invitae for this missense variant, however the output from this modeling did not meet the statistical confidence thresholds required to predict the impact of this variant on MYO6 protein function. In summary, the available evidence is currently insufficient to determine the role of this variant in disease. Therefore, it has been classified as a Variant of Uncertain Significance.

Illumina Laboratory Services, Illumina
Classification: Uncertain significance for Autosomal recessive nonsyndromic hearing loss 37. Last evaluated: 2017-04-27. Review status: criteria provided, single submitter. Criteria: ICSL Variant Classification Criteria 13 December 2019. Collection method: clinical testing. Allele origin: germline.
Comment: This variant was observed as part of a predisposition screen in an ostensibly healthy population. A literature search was performed for the gene, cDNA change, and amino acid change (where applicable). Publications were found based on this search. However, the evidence from the literature, in combination with allele frequency data from public databases where available, was not sufficient to rule this variant in or out of causing disease. Therefore, this variant is classified as a variant of unknown significance.

Illumina Laboratory Services, Illumina
Classification: Uncertain significance for Autosomal dominant nonsyndromic hearing loss 22. Last evaluated: 2017-04-27. Review status: criteria provided, single submitter. Criteria: ICSL Variant Classification Criteria 13 December 2019. Collection method: clinical testing. Allele origin: germline.
Comment: the same text as in the submission from Illumina Laboratory Services, Illumina above.

Literature cited by the submitters: PubMed 26445815 (cited by Labcorp Genetics (formerly Invitae), Labcorp and Illumina Laboratory Services, Illumina).